The following is an entry in ClinVar:

ClinVar aggregate classification (germline): Uncertain significance (1 of 4 stars; one submission).

gnomAD v4.1: 1 of 1,599,180 alleles (0.000063%); no homozygotes.

Submission:

Labcorp Genetics (formerly Invitae), Labcorp
Classification: Uncertain significance. Last evaluated: 2025-07-01. Review status: criteria provided, single submitter. Criteria: Invitae Variant Classification Sherloc (09022015). Collection method: clinical testing. Allele origin: germline.
Comment: This sequence change replaces leucine, which is neutral and non-polar, with proline, which is neutral and non-polar, at codon 237 of the APOA5 protein (p.Leu237Pro). The frequency data for this variant in the population databases is considered unreliable, as metrics indicate poor data quality at this position in the gnomAD database. This variant has not been reported in the literature in individuals affected with APOA5-related conditions. An algorithm developed to predict the effect of missense changes on protein structure and function (PolyPhen-2) suggests that this variant is likely to be disruptive. In summary, the available evidence is currently insufficient to determine the role of this variant in disease. Therefore, it has been classified as a Variant of Uncertain Significance.

NM_001371904.1(APOA5):c.710T>C (p.Leu237Pro)

Gene: APOA5 (apolipoprotein A5; minus strand). Cytogenetic location: 11q23.3.
Variant type: single nucleotide variant.
Coding change: c.710T>C on transcript NM_001371904.1 (MANE Select); coding-DNA position 710, T replaced by C.
Protein change: p.Leu237Pro; replaces leucine 237 with proline.
Molecular consequence: missense variant.
Genome position (GRCh38, 1-based): chr11:116,790,519, A>G on the plus strand (T>C on the coding strand, the complement: APOA5 is on the minus strand). VCF-style: chr11-116790519-A-G. GRCh37 (hg19) VCF-style: chr11-116661235-A-G.
Other names: c.710T>C, p.Leu237Pro (NM_001166598.2, NM_052968.5); short protein forms L237P.
Identifiers: ClinVar variation 4809385 (VCV004809385.1).